The following is an entry in ClinVar:

ClinVar aggregate classification (germline): Uncertain significance. Review status: criteria provided, single submitter (1 of 4 stars). 2 submissions from 2 submitters: Uncertain significance (1). 1 of the submissions does not count toward it. Last evaluated 2023-05-02.

Conditions:
NSD1-related disorder. Also called: NSD1-related condition.

Allele frequency attached by ClinVar (database versions not stated): gnomAD 0.00001.
gnomAD v4.1: 2 of 1,614,062 alleles (0.00012%); highest among the groups gnomAD compares: African/African-American, 0.0027%; no homozygotes.

Submissions (2):

Labcorp Genetics (formerly Invitae), Labcorp
Classification: Uncertain significance. Last evaluated: 2023-05-02. Review status: criteria provided, single submitter. Criteria: Invitae Variant Classification Sherloc (09022015). Collection method: clinical testing. Allele origin: germline.
Comment: Advanced modeling of protein sequence and biophysical properties (such as structural, functional, and spatial information, amino acid conservation, physicochemical variation, residue mobility, and thermodynamic stability) performed at Invitae indicates that this missense variant is not expected to disrupt NSD1 protein function. This variant has not been reported in the literature in individuals affected with NSD1-related conditions. This variant is not present in population databases (gnomAD no frequency). This sequence change replaces glycine, which is neutral and non-polar, with aspartic acid, which is acidic and polar, at codon 770 of the NSD1 protein (p.Gly770Asp). In summary, the available evidence is currently insufficient to determine the role of this variant in disease. Therefore, it has been classified as a Variant of Uncertain Significance.

PreventionGenetics, part of Exact Sciences
Classification: Uncertain significance for NSD1-related condition. Last evaluated: 2024-01-23. Review status: no assertion criteria provided. Collection method: clinical testing. Allele origin: germline. Not counted in ClinVar's aggregate classification.
Comment: The NSD1 c.2309G>A variant is predicted to result in the amino acid substitution p.Gly770Asp. To our knowledge, this variant has not been reported in the literature or in a large population database, indicating this variant is rare. At this time, the clinical significance of this variant is uncertain due to the absence of conclusive functional and genetic evidence.

NM_022455.5(NSD1):c.2309G>A (p.Gly770Asp)

Gene: NSD1 (nuclear receptor binding SET domain protein 1; plus strand). Cytogenetic location: 5q35.3.
Variant type: single nucleotide variant.
Coding change: c.2309G>A on transcript NM_022455.5 (MANE Select); coding-DNA position 2309, G replaced by A.
Protein change: p.Gly770Asp; replaces glycine 770 with aspartic acid.
Molecular consequence: missense variant.
Genome position (GRCh38, 1-based): chr5:177,210,708, G>A. VCF-style: chr5-177210708-G-A. GRCh37 (hg19) VCF-style: chr5-176637709-G-A.
Other names: c.1436G>A, p.Gly479Asp (NM_001365684.2, NM_001409306.1, NM_001409307.1 and 3 more transcripts); c.2309G>A, p.Gly770Asp (NM_001409301.1, NM_001409302.1, NM_001409303.1); c.1889G>A, p.Gly630Asp (NM_001409304.1); c.1556G>A, p.Gly519Asp (NM_001409305.1); short protein forms G479D, G519D, G630D, G770D.
Identifiers: ClinVar variation 3032348 (VCV003032348.4), dbSNP rs375566261, ClinGen allele CA362315318.